The following is an entry in ClinVar:

ClinVar aggregate classification (germline): Uncertain significance (1 of 4 stars; one submission).

Submission:

Labcorp Genetics (formerly Invitae), Labcorp
Classification: Uncertain significance. Last evaluated: 2022-10-18. Review status: criteria provided, single submitter. Criteria: Invitae Variant Classification Sherloc (09022015). Collection method: clinical testing. Allele origin: germline.
Comment: This sequence change replaces isoleucine, which is neutral and non-polar, with phenylalanine, which is neutral and non-polar, at codon 263 of the SERPINF1 protein (p.Ile263Phe). This variant is not present in population databases (gnomAD no frequency). This variant has not been reported in the literature in individuals affected with SERPINF1-related conditions. Algorithms developed to predict the effect of missense changes on protein structure and function are either unavailable or do not agree on the potential impact of this missense change (SIFT: "Not Available"; PolyPhen-2: "Probably Damaging"; Align-GVGD: "Not Available"). In summary, the available evidence is currently insufficient to determine the role of this variant in disease. Therefore, it has been classified as a Variant of Uncertain Significance.

NM_002615.7(SERPINF1):c.787A>T (p.Ile263Phe)

Gene: SERPINF1 (serpin family F member 1; plus strand). Cytogenetic location: 17p13.3.
Variant type: single nucleotide variant.
Coding change: c.787A>T on transcript NM_002615.7 (MANE Select); coding-DNA position 787, A replaced by T.
Protein change: p.Ile263Phe; replaces isoleucine 263 with phenylalanine.
Molecular consequence: missense variant.
Genome position (GRCh38, 1-based): chr17:1,776,532, A>T. VCF-style: chr17-1776532-A-T. GRCh37 (hg19) VCF-style: chr17-1679826-A-T.
Other names: c.787A>T, p.Ile263Phe (NM_001329903.2); c.226A>T, p.Ile76Phe (NM_001329904.2, NM_001329905.2); short protein forms I263F, I76F.
Identifiers: ClinVar variation 1717812 (VCV001717812.3), dbSNP rs1425717236, ClinGen allele CA397589537.
Genomic context (GRCh38, chr17:1,776,532, plus strand): 5'-TGTCTGTCCCCGGCTTTTGGGCTCTGAAGGACTAACCACATGCTTTCTCACTTGTCTCAG[A>T]TTGCCCAGCTGCCCTTGACCGGAAGCATGAGTATCATCTTCTTCCTGCCCCTGAAAGTGA-3'
Protein context (NP_002606.3, residues 253-273): YGLDSDLSCK[Ile263Phe]AQLPLTGSMS